The following is an entry in ClinVar:

NM_001267550.2(TTN):c.6445A>G (p.Ile2149Val)

Gene: TTN (titin; minus strand). Cytogenetic location: 2q31.2.
Variant type: single nucleotide variant.
Coding change: c.6445A>G on transcript NM_001267550.2 (MANE Select); coding-DNA position 6445, A replaced by G.
Protein change: p.Ile2149Val; replaces isoleucine 2149 with valine.
Molecular consequence: missense variant.
Genome position (GRCh38, 1-based): chr2:178,775,419, T>C on the plus strand (A>G on the coding strand, the complement: TTN is on the minus strand). VCF-style: chr2-178775419-T-C. GRCh37 (hg19) VCF-style: chr2-179640146-T-C.
Other names: c.6307A>G, p.Ile2103Val (NM_003319.4, NM_133432.3, NM_133437.4); c.6445A>G, p.Ile2149Val (NM_001256850.1, NM_133378.4, NM_133379.5); short protein forms I2103V, I2149V.
Identifiers: ClinVar variation 519105 (VCV000519105.5), dbSNP rs967525723, ClinGen allele CA349682815.

ClinVar aggregate classification (germline): Uncertain significance (1 of 4 stars; one submission).

Conditions:
Cardiovascular phenotype. Identifiers: MedGen CN230736.

Allele frequency attached by ClinVar (database versions not stated): gnomAD exomes below 0.00001.

Submission:

Ambry Genetics
Classification: Uncertain significance for Cardiovascular phenotype. Last evaluated: 2016-07-15. Review status: criteria provided, single submitter. Criteria: Ambry Variant Classification Scheme 2023. Collection method: clinical testing. Allele origin: germline.
Comment: The p.I2103V variant (also known as c.6307A>G), located in coding exon 26 of the TTN gene, results from an A to G substitution at nucleotide position 6307. The isoleucine at codon 2103 is replaced by valine, an amino acid with highly similar properties, and is located in the near Z-disk/I-band region region of the N2-B isoform of the titin protein. This variant has been reported in a hypertrophic cardiomyopathy cohort; however, clinical details were limited (Lopes LR et al. J Med Genet. 2013;50:228-39). This amino acid position is well conserved in available vertebrate species; however, valine is the reference amino acid in other vertebrate species. In addition, this alteration is predicted to be benign and deleterious by PolyPhen and SIFT in silico analyses, respectively. Since supporting evidence is limited at this time, the clinical significance of this alteration remains unclear.

Literature cited by the submitters: PubMed 23396983.